The following is an entry in ClinVar:

NM_000257.4(MYH7):c.1957-18T>C

Gene: MYH7 (myosin heavy chain 7; minus strand). Cytogenetic location: 14q11.2.
Variant type: single nucleotide variant.
Coding change: c.1957-18T>C on transcript NM_000257.4 (MANE Select); 18 bases into the intron before coding-DNA position 1957, T replaced by C.
Molecular consequence: intron variant.
Genome position (GRCh38, 1-based): chr14:23,426,882, A>G on the plus strand (T>C on the coding strand, the complement: MYH7 is on the minus strand). VCF-style: chr14-23426882-A-G. GRCh37 (hg19) VCF-style: chr14-23896091-A-G.
Other names: c.1957-18T>C (LRG_384t1).
Identifiers: ClinVar variation 511842 (VCV000511842.5), dbSNP rs764806428, ClinGen allele CA030405.

ClinVar aggregate classification (germline): Likely benign. Review status: criteria provided, multiple submitters, no conflicts (2 of 4 stars). 2 submissions from 2 submitters: Likely benign (2). Last evaluated 2025-11-12.

Conditions:
Hypertrophic cardiomyopathy. Also called: HYPERTROPHIC MYOCARDIOPATHY. Identifiers: Orphanet 217569, MedGen C0007194, MeSH D002312, MONDO:0005045, HP:0001639.

Allele frequency attached by ClinVar (database versions not stated): gnomAD exomes below 0.00001; TOPMed 0.00001; ExAC 0.00002.
gnomAD v4.1: 2 of 1,608,774 alleles (0.00012%); highest among the groups gnomAD compares: Non-Finnish European, 0.00017%; no homozygotes.

Submissions (2):

Labcorp Genetics (formerly Invitae), Labcorp
Classification: Likely benign for Hypertrophic cardiomyopathy. Last evaluated: 2025-11-12. Review status: criteria provided, single submitter. Criteria: Invitae Variant Classification Sherloc (09022015). Collection method: clinical testing. Allele origin: germline.

GeneDx
Classification: Likely benign. Last evaluated: 2017-09-05. Review status: criteria provided, single submitter. Criteria: GeneDx Variant Classification (06012015). Collection method: clinical testing. Allele origin: germline. Affected: yes.
Comment: This variant is considered likely benign or benign based on one or more of the following criteria: it is a conservative change, it occurs at a poorly conserved position in the protein, it is predicted to be benign by multiple in silico algorithms, and/or has population frequency not consistent with disease.